The following is an entry in ClinVar:

ClinVar aggregate classification (germline): Uncertain significance (1 of 4 stars; one submission).

Conditions:
Basal cell nevus syndrome 1 (BCNS1). Also called: GORLIN-GOLTZ SYNDROME; MULTIPLE BASAL CELL NEVI, ODONTOGENIC KERATOCYSTS, AND SKELETAL ANOMALIES. Identifiers: MedGen CN376810, MONDO:0958174, OMIM 109400.

gnomAD v4.1: 2 of 1,614,118 alleles (0.00012%); highest among the groups gnomAD compares: South Asian, 0.0011%; no homozygotes.

Submission:

St. Jude Molecular Pathology, St. Jude Children's Research Hospital
Classification: Uncertain significance for Basal cell nevus syndrome 1. Last evaluated: 2025-06-17. Review status: criteria provided, single submitter. Criteria: St. Jude Assertion Criteria 2020. Collection method: clinical testing. Allele origin: germline.
Comment: The PTCH2 c.3476C>G p.(Ser1159Cys) missense change is absent in gnomAD v2.1.1. The in silico tool REVEL predicts a benign effect on protein function, but to our knowledge this prediction has not been confirmed by functional studies. To our knowledge, this variant has not been reported in individuals with nevoid basal cell carcinoma syndrome. In summary, the evidence currently available is insufficient to determine the clinical significance of this variant. It has therefore been classified as of uncertain significance.

NM_003738.5(PTCH2):c.3476C>G (p.Ser1159Cys)

Gene: PTCH2 (patched 2; minus strand). Cytogenetic location: 1p34.1.
Variant type: single nucleotide variant.
Coding change: c.3476C>G on transcript NM_003738.5 (MANE Select); coding-DNA position 3476, C replaced by G.
Protein change: p.Ser1159Cys; replaces serine 1159 with cysteine.
Molecular consequence: missense variant. On other transcripts: intron variant (1).
Genome position (GRCh38, 1-based): chr1:44,822,551, G>C on the plus strand (C>G on the coding strand, the complement: PTCH2 is on the minus strand). VCF-style: chr1-44822551-G-C. GRCh37 (hg19) VCF-style: chr1-45288223-G-C.
Other names: c.3425+51C>G (NM_001166292.2); short protein forms S1159C.
Identifiers: ClinVar variation 4056096 (VCV004056096.2).